The following is an entry in ClinVar:

ClinVar aggregate classification (germline): Uncertain significance (1 of 4 stars; one submission).

Conditions:
Asphyxiating thoracic dystrophy 5 (SRTD5). Also called: SHORT-RIB THORACIC DYSPLASIA 5 WITHOUT POLYDACTYLY; SHORT-RIB THORACIC DYSPLASIA 5 WITH OR WITHOUT POLYDACTYLY. Identifiers: Orphanet 474, MedGen C3280598, MONDO:0013717, OMIM 614376.
Senior-Loken syndrome 8 (SLSN8). Identifiers: Orphanet 3156, MedGen C4225376, MONDO:0014579, OMIM 616307.

gnomAD v4.1: 9 of 1,613,374 alleles (0.00056%); highest among the groups gnomAD compares: Non-Finnish European, 0.00068%; no homozygotes.

Submission:

Labcorp Genetics (formerly Invitae), Labcorp
Classification: Uncertain significance for Senior-Loken syndrome 8; Asphyxiating thoracic dystrophy 5. Last evaluated: 2021-09-21. Review status: criteria provided, single submitter. Criteria: Invitae Variant Classification Sherloc (09022015). Collection method: clinical testing. Allele origin: germline.
Comment: This variant is not present in population databases (ExAC no frequency). This variant has not been reported in the literature in individuals affected with WDR19-related conditions. Algorithms developed to predict the effect of missense changes on protein structure and function (SIFT, PolyPhen-2, Align-GVGD) all suggest that this variant is likely to be tolerated. In summary, the available evidence is currently insufficient to determine the role of this variant in disease. Therefore, it has been classified as a Variant of Uncertain Significance. This sequence change replaces glycine with serine at codon 571 of the WDR19 protein (p.Gly571Ser). The glycine residue is highly conserved and there is a small physicochemical difference between glycine and serine.

NM_025132.4(WDR19):c.1711G>A (p.Gly571Ser)

Gene: WDR19 (WD repeat domain 19; plus strand). Cytogenetic location: 4p14.
Variant type: single nucleotide variant.
Coding change: c.1711G>A on transcript NM_025132.4 (MANE Select); coding-DNA position 1711, G replaced by A.
Protein change: p.Gly571Ser; replaces glycine 571 with serine.
Molecular consequence: missense variant.
Genome position (GRCh38, 1-based): chr4:39,228,291, G>A. VCF-style: chr4-39228291-G-A. GRCh37 (hg19) VCF-style: chr4-39229911-G-A.
Other names: c.1231G>A, p.Gly411Ser (NM_001317924.2); short protein forms G411S, G571S.
Identifiers: ClinVar variation 1477205 (VCV001477205.6), dbSNP rs2109357664, ClinGen allele CA356632734.